The following is an entry in ClinVar:

ClinVar aggregate classification (germline): Benign/Likely benign. Review status: criteria provided, multiple submitters, no conflicts (2 of 4 stars). 6 submissions from 6 submitters: Benign (1); Likely benign (5). Last evaluated 2025-08-13.

Conditions:
Charcot-Marie-Tooth disease. Also called: Charcot-Marie-Tooth Hereditary Neuropathy; Charcot-Marie-Tooth Neuropathy. Identifiers: Orphanet 166, MedGen C0007959, MONDO:0015626.
Charcot-Marie-Tooth disease axonal type 2S. Also called: CHARCOT-MARIE-TOOTH DISEASE, AXONAL, AUTOSOMAL RECESSIVE, TYPE 2S; CHARCOT-MARIE-TOOTH NEUROPATHY, TYPE 2S. Identifiers: Orphanet 443073, MedGen C4015349, MONDO:0014511, OMIM 616155.
Autosomal recessive distal spinal muscular atrophy 1. Also called: NEURONOPATHY, DISTAL HEREDITARY MOTOR, HARDING TYPE VI; NEUROPATHY, DISTAL HEREDITARY MOTOR, AUTOSOMAL RECESSIVE 1; Spinal muscular atrophy with respiratory distress 1; NEURONOPATHY, SEVERE INFANTILE AXONAL, WITH RESPIRATORY FAILURE; SEVERE INFANTILE AXONAL NEUROPATHY WITH RESPIRATORY FAILURE; SPINAL MUSCULAR ATROPHY, DIAPHRAGMATIC. Identifiers: Orphanet 98920, MedGen C1858517, MONDO:0011436, OMIM 604320.
IGHMBP2-related disorder. Also called: IGHMBP2-related disorders; IGHMBP2-related condition.
Inborn genetic diseases. Identifiers: MedGen C0950123, MeSH D030342.

Allele frequency attached by ClinVar (database versions not stated): TOPMed 0.00002; 1000 Genomes Project 30x 0.00109; 1000 Genomes Project 0.00120.

Submissions (6):

PreventionGenetics, part of Exact Sciences
Classification: Likely benign for IGHMBP2-related condition. Last evaluated: 2025-08-13. Review status: criteria provided, single submitter. Criteria: ACMG Guidelines, 2015. Collection method: clinical testing. Allele origin: germline.
Comment: This variant is classified as likely benign based on ACMG/AMP sequence variant interpretation guidelines (Richards et al. 2015 PMID: 25741868, with internal and published modifications).

Labcorp Genetics (formerly Invitae), Labcorp
Classification: Benign for Autosomal recessive distal spinal muscular atrophy 1; Charcot-Marie-Tooth disease axonal type 2S. Last evaluated: 2024-10-15. Review status: criteria provided, single submitter. Criteria: Invitae Variant Classification Sherloc (09022015). Collection method: clinical testing. Allele origin: germline.

Ambry Genetics
Classification: Likely benign for Inborn genetic diseases. Last evaluated: 2019-07-11. Review status: criteria provided, single submitter. Criteria: Ambry Variant Classification Scheme 2023. Collection method: clinical testing. Allele origin: germline.

Illumina Laboratory Services, Illumina
Classification: Likely benign for Autosomal recessive distal spinal muscular atrophy 1. Last evaluated: 2018-01-13. Review status: criteria provided, single submitter. Criteria: ICSL Variant Classification Criteria 13 December 2019. Collection method: clinical testing. Allele origin: germline.
Comment: This variant was observed in the ICSL laboratory as part of a predisposition screen in an ostensibly healthy population. It had not been previously curated by ICSL or reported in the Human Gene Mutation Database (HGMD: prior to June 1st, 2018), and was therefore a candidate for classification through an automated scoring system. Utilizing variant allele frequency, disease prevalence and penetrance estimates, and inheritance mode, an automated score was calculated to assess if this variant is too frequent to cause the disease. Based on the score and internal cut-off values, a variant classified as likely benign is not then subjected to further curation. The score for this variant resulted in a classification of likely benign for this disease.

Eurofins Ntd Llc (ga)
Classification: Likely benign. Last evaluated: 2015-11-19. Review status: criteria provided, single submitter. Criteria: EGL Classification Definitions 2015. Collection method: clinical testing. Allele origin: germline. Observed: 1 variant allele, 1 heterozygote.

Molecular Genetics Laboratory, London Health Sciences Centre
Classification: Likely benign for Charcot-Marie-Tooth disease. Review status: criteria provided, single submitter. Criteria: ACMG Guidelines, 2015. Collection method: clinical testing. Allele origin: germline. Affected: yes.

NM_002180.3(IGHMBP2):c.2295C>T (p.His765=)

Gene: IGHMBP2 (immunoglobulin mu DNA binding protein 2; plus strand). Cytogenetic location: 11q13.3.
Variant type: single nucleotide variant.
Coding change: c.2295C>T on transcript NM_002180.3 (MANE Select); coding-DNA position 2295, C replaced by T.
Protein change: p.His765=; no amino-acid change (histidine 765 retained).
Molecular consequence: synonymous variant.
Genome position (GRCh38, 1-based): chr11:68,936,775, C>T. VCF-style: chr11-68936775-C-T. GRCh37 (hg19) VCF-style: chr11-68704243-C-T.
Identifiers: ClinVar variation 284649 (VCV000284649.22), dbSNP rs149185954, ClinGen allele CA6153876.
Genomic context (GRCh38, chr11:68,936,775, plus strand): 5'-GTTTCCTCCTTCCCTCAATTCCCACGACAGGCTGCGGGTCCACCAAATAGCCGAGGAGCA[C>T]GGGCTGAGGCACGACAGTTCCGGGGAAGGGAAGAGGAGGTTCATCACTGTGAGCAAGAGG-3'
Protein context (NP_002171.2, residues 755-775): RLRVHQIAEE[His765=]GLRHDSSGEG